The following is an entry in ClinVar:

NM_000936.4(PNLIP):c.115A>G (p.Arg39Gly)

Gene: PNLIP (pancreatic lipase; plus strand). Cytogenetic location: 10q25.3.
Variant type: single nucleotide variant.
Coding change: c.115A>G on transcript NM_000936.4 (MANE Select); coding-DNA position 115, A replaced by G.
Protein change: p.Arg39Gly; replaces arginine 39 with glycine.
Molecular consequence: missense variant.
Genome position (GRCh38, 1-based): chr10:116,547,362, A>G. VCF-style: chr10-116547362-A-G. GRCh37 (hg19) VCF-style: chr10-118306874-A-G.
Other names: short protein forms R39G.
Identifiers: ClinVar variation 2135157 (VCV002135157.4), dbSNP rs2493043220, ClinGen allele CA378490239.

ClinVar aggregate classification (germline): Uncertain significance (1 of 4 stars; one submission).

Submission:

Labcorp Genetics (formerly Invitae), Labcorp
Classification: Uncertain significance. Last evaluated: 2022-05-07. Review status: criteria provided, single submitter. Criteria: Invitae Variant Classification Sherloc (09022015). Collection method: clinical testing. Allele origin: germline.
Comment: In summary, the available evidence is currently insufficient to determine the role of this variant in disease. Therefore, it has been classified as a Variant of Uncertain Significance. Algorithms developed to predict the effect of missense changes on protein structure and function are either unavailable or do not agree on the potential impact of this missense change (SIFT: "Not Available"; PolyPhen-2: "Probably Damaging"; Align-GVGD: "Not Available"). This variant has not been reported in the literature in individuals affected with PNLIP-related conditions. This variant is not present in population databases (gnomAD no frequency). This sequence change replaces arginine, which is basic and polar, with glycine, which is neutral and non-polar, at codon 39 of the PNLIP protein (p.Arg39Gly).